The following is an entry in ClinVar:

ClinVar aggregate classification (germline): Uncertain significance (1 of 4 stars; one submission).

Allele frequency attached by ClinVar (database versions not stated): gnomAD exomes below 0.00001; TOPMed below 0.00001; gnomAD 0.00001.
gnomAD v4.1: 4 of 1,614,028 alleles (0.00025%); highest among the groups gnomAD compares: Middle Eastern, 0.016%; no homozygotes.

Submission:

Labcorp Genetics (formerly Invitae), Labcorp
Classification: Uncertain significance. Last evaluated: 2022-02-05. Review status: criteria provided, single submitter. Criteria: Invitae Variant Classification Sherloc (09022015). Collection method: clinical testing. Allele origin: germline.
Comment: This variant has not been reported in the literature in individuals affected with TPP1-related conditions. This variant is not present in population databases (gnomAD no frequency). This sequence change falls in intron 9 of the TPP1 gene. It does not directly change the encoded amino acid sequence of the TPP1 protein. It affects a nucleotide within the consensus splice site. ClinVar contains an entry for this variant (Variation ID: 844551). In summary, the available evidence is currently insufficient to determine the role of this variant in disease. Therefore, it has been classified as a Variant of Uncertain Significance. Variants that disrupt the consensus splice site are a relatively common cause of aberrant splicing (PMID: 17576681, 9536098). Algorithms developed to predict the effect of sequence changes on RNA splicing suggest that this variant is not likely to affect RNA splicing.

Literature cited by the submitters: PubMed 17576681; PubMed 9536098.

NM_000391.4(TPP1):c.1145+3A>G

Gene: TPP1 (tripeptidyl peptidase 1; minus strand). Cytogenetic location: 11p15.4.
Variant type: single nucleotide variant.
Coding change: c.1145+3A>G on transcript NM_000391.4 (MANE Select); 3 bases into the intron after coding-DNA position 1145, A replaced by G.
Molecular consequence: intron variant.
Genome position (GRCh38, 1-based): chr11:6,616,002, T>C on the plus strand (A>G on the coding strand, the complement: TPP1 is on the minus strand). VCF-style: chr11-6616002-T-C. GRCh37 (hg19) VCF-style: chr11-6637233-T-C.
Identifiers: ClinVar variation 844551 (VCV000844551.7), dbSNP rs760845164, ClinGen allele CA217322128.